The following is an entry in ClinVar:

NM_001273.5(CHD4):c.3517C>T (p.Arg1173Trp)

Gene: CHD4 (chromodomain helicase DNA binding protein 4; minus strand). Cytogenetic location: 12p13.31.
Variant type: single nucleotide variant.
Coding change: c.3517C>T on transcript NM_001273.5 (MANE Select); coding-DNA position 3517, C replaced by T.
Protein change: p.Arg1173Trp; replaces arginine 1173 with tryptophan.
Molecular consequence: missense variant.
Genome position (GRCh38, 1-based): chr12:6,587,898, G>A on the plus strand (C>T on the coding strand, the complement: CHD4 is on the minus strand). VCF-style: chr12-6587898-G-A. GRCh37 (hg19) VCF-style: chr12-6697064-G-A.
Other names: p.(Arg1173Trp); c.3496C>T, p.Arg1166Trp (NM_001297553.2); c.3478C>T, p.Arg1160Trp (NM_001363606.2); short protein forms R1160W, R1166W, R1173W.
Identifiers: ClinVar variation 1030325 (VCV001030325.9), dbSNP rs1948327010, ClinGen allele CA383582111.

ClinVar aggregate classification (germline): Pathogenic/Likely pathogenic. Review status: criteria provided, multiple submitters, no conflicts (2 of 4 stars). 3 submissions from 3 submitters: Pathogenic (1); Likely pathogenic (2). Last evaluated 2025-04-10.

Conditions:
Sifrim-Hitz-Weiss syndrome (SIHIWES). Also called: SIFRIM-HITZ-WEISS MULTIPLE CONGENITAL ANOMALIES-MENTAL RETARDATION SYNDROME; CHD4 Neurodevelopmental Disorder. Identifiers: Orphanet 653712, MedGen C4310688, MONDO:0014946, OMIM 617159.

Allele frequency attached by ClinVar (database versions not stated): gnomAD exomes below 0.00001.
gnomAD v4.1: 1 of 1,614,210 alleles (0.000062%); no homozygotes.

Submissions (3):

Institute of Human Genetics Munich, TUM University Hospital
Classification: Pathogenic for Sifrim-Hitz-Weiss syndrome. Last evaluated: 2025-04-10. Review status: criteria provided, single submitter. Criteria: Classification criteria August 2017. Collection method: clinical testing. Allele origin: de novo. Inheritance: Autosomal dominant inheritance. Affected: yes. Observed: 1 variant allele.

Baylor Genetics
Classification: Likely pathogenic for Sifrim-Hitz-Weiss syndrome. Last evaluated: 2022-12-02. Review status: criteria provided, single submitter. Criteria: ACMG Guidelines, 2015. Collection method: clinical testing. Allele origin: unknown.

Juno Genomics, Hangzhou Juno Genomics, Inc
Classification: Likely pathogenic for Sifrim-Hitz-Weiss syndrome. Review status: criteria provided, single submitter. Criteria: ACMG Guidelines, 2015. Collection method: clinical testing. Allele origin: germline.
Comment: Absent from controls (or at extremely low frequency if recessive) in Genome Aggregation Database.;Missense variant in a gene that has a low rate of benign missense variation.;De novo (both maternity and paternity confirmed) in a patient with the disease and no family history.;Novel missense change at an amino acid residue where a different missense change determined to be pathogenic has been seen before.;Multiple lines of computational evidence support a deleterious effect on the gene or gene product.